The following is an entry in ClinVar:

ClinVar aggregate classification (germline): Conflicting classifications of pathogenicity. Review status: criteria provided, conflicting classifications (1 of 4 stars). 7 submissions from 7 submitters: Uncertain significance (1); Benign (1); Likely benign (3). 2 of the submissions do not count toward it. Last evaluated 2026-04-20.

Conditions:
MHC class II deficiency. Also called: Bare lymphocyte syndrome 2; BLS, TYPE II. Identifiers: Orphanet 572, MedGen C5447452, MONDO:0008855.

Allele frequency attached by ClinVar (database versions not stated): 1000 Genomes Project 0.00060; 1000 Genomes Project 30x 0.00062; gnomAD exomes 0.00081 and 0.00058; ExAC 0.00093; ESP Exome Variant Server 0.00100; gnomAD 0.00043 and 0.00052; TOPMed 0.00056.
gnomAD v4.1: 932 of 1,612,924 alleles (0.058%); highest among the groups gnomAD compares: Middle Eastern, 0.45%; 3 homozygotes.

Submissions (7):

Women's Health and Genetics/Laboratory Corporation of America, LabCorp
Classification: Likely benign. Last evaluated: 2026-04-20. Review status: criteria provided, single submitter. Criteria: LabCorp Variant Classification Summary - May 2015. Collection method: clinical testing. Allele origin: germline.

Labcorp Genetics (formerly Invitae), Labcorp
Classification: Benign for MHC class II deficiency. Last evaluated: 2026-02-02. Review status: criteria provided, single submitter. Criteria: Invitae Variant Classification Sherloc (09022015). Collection method: clinical testing. Allele origin: germline.

CeGaT Center for Human Genetics Tuebingen
Classification: Likely benign. Last evaluated: 2025-07-01. Review status: criteria provided, single submitter. Criteria: CeGaT Center For Human Genetics Tuebingen Variant Classification Criteria Version 2. Collection method: clinical testing. Allele origin: germline. Affected: yes. Observed: 3 variant alleles.
Comment: RFXAP: BP4, BP7

Blueprint Genetics
Classification: Likely benign. Last evaluated: 2024-11-12. Review status: criteria provided, single submitter. Criteria: ACMG Guidelines, 2015. Collection method: clinical testing. Allele origin: germline.

Illumina Laboratory Services, Illumina
Classification: Uncertain significance for MHC class II deficiency 1. Last evaluated: 2018-01-13. Review status: criteria provided, single submitter. Criteria: ICSL Variant Classification Criteria 13 December 2019. Collection method: clinical testing. Allele origin: germline.

Clinical Genetics DNA and cytogenetics Diagnostics Lab, Erasmus MC, Erasmus Medical Center
Classification: Likely benign. Review status: no assertion criteria provided. Collection method: clinical testing. Allele origin: germline. Affected: yes. Study: VKGL Data-share Consensus. Not counted in ClinVar's aggregate classification.

Genome Diagnostics Laboratory, University Medical Center Utrecht
Classification: Likely benign. Review status: no assertion criteria provided. Collection method: clinical testing. Allele origin: germline. Affected: yes. Study: VKGL Data-share Consensus. Not counted in ClinVar's aggregate classification.

NM_000538.4(RFXAP):c.666A>G (p.Ala222=)

Gene: RFXAP (regulatory factor X associated protein; plus strand). Cytogenetic location: 13q13.3.
Variant type: single nucleotide variant.
Coding change: c.666A>G on transcript NM_000538.4 (MANE Select); coding-DNA position 666, A replaced by G.
Protein change: p.Ala222=; no amino-acid change (alanine 222 retained).
Molecular consequence: synonymous variant.
Genome position (GRCh38, 1-based): chr13:36,825,493, A>G. VCF-style: chr13-36825493-A-G. GRCh37 (hg19) VCF-style: chr13-37399630-A-G.
Identifiers: ClinVar variation 311790 (VCV000311790.43), dbSNP rs139675642, ClinGen allele CA6950258.